The following is an entry in ClinVar:

ClinVar aggregate classification (germline): not provided (0 of 4 stars; one submission).

Conditions:
Ciliary dyskinesia, primary, 43. Also called: CILIARY DYSKINESIA, PRIMARY, 43, WITH OR WITHOUT SITUS INVERSUS. Identifiers: MedGen C5231466, MONDO:0032874, OMIM 618699.

Submission:

ClinVar Staff, National Center for Biotechnology Information (NCBI)
No classification provided. Condition: Ciliary dyskinesia, primary, 43. Review status: no classification provided. Collection method: literature only. Allele origin: germline. Inheritance: Autosomal dominant inheritance. Affected: yes. Observed: 2 variant alleles, 2 heterozygotes.
Comment: The paper by Li et al., 2023 (PubMed 37692537) reported: "we characterized a family with heterotaxy and the proband with complex congenital heart disease (CHD). A heterozygous variant c.1129delC (p.Leu377Trpfs*76) in FOXJ1 was identified. We found that this mutant exhibited a dominant-negative effect on the transcriptional activity of RFX3, downstream of FOXJ1 in the node, and cooperatively induce the expression of ciliated genes. The transcription factor RFX3 directs nodal cilium development and left-right asymmetry specification. Mice carrying the equivalent of the human FOXJ1-c.1129delC mutation were generated and found to have disrupted motile cilia structure in trachea epithelial cells and randomized left-right patterning and hydrocephalus."

Literature cited by the submitters: PubMed 37692537.

NM_001454.4(FOXJ1):c.1129del (p.Leu377fs)

Gene: FOXJ1 (forkhead box J1; minus strand). Cytogenetic location: 17q25.1.
Variant type: Deletion.
Coding change: c.1129del on transcript NM_001454.4 (MANE Select); coding-DNA position 1129, one base deleted (C; older notation c.1129delC).
Protein change: p.Leu377fs; shifts the reading frame from leucine 377.
Molecular consequence: frameshift variant.
Genome position (GRCh38, 1-based): chr17:76,137,490, G deleted on the plus strand (C on the coding strand, the reverse complement: FOXJ1 is on the minus strand); the first of 2 consecutive G bases (chr17:76,137,490-76,137,491); deleting either gives the same sequence. VCF-style (leftmost placement, unchanged base first): chr17-76137489-AG-A. GRCh37 (hg19) VCF-style: chr17-74133570-AG-A.
Other names: short protein forms L377fs.
Identifiers: ClinVar variation 3256116 (VCV003256116.1).